The following is an entry in ClinVar:

ClinVar aggregate classification (germline): Uncertain significance. Review status: criteria provided, multiple submitters, no conflicts (2 of 4 stars). 2 submissions from 2 submitters: Uncertain significance (2). Last evaluated 2026-07-10.

Conditions:
NRP1-related disorder. Also called: NRP1-related condition.

gnomAD v4.1: 2 of 1,614,058 alleles (0.00012%); highest among the groups gnomAD compares: Non-Finnish European, 0.00017%; no homozygotes.

Submissions (2):

PreventionGenetics, part of Exact Sciences
Classification: Uncertain significance for NRP1-related condition. Last evaluated: 2026-07-10. Review status: criteria provided, single submitter. Criteria: ACMG Guidelines, 2015. Collection method: clinical testing. Allele origin: germline.
Comment: The NRP1 c.2135T>C variant is predicted to result in the amino acid substitution p.Val712Ala. To our knowledge, this variant has not been reported in the literature or in a large population database (gnomAD), indicating this variant is rare. At this time, the clinical significance of this variant is uncertain due to the absence of conclusive functional and genetic evidence.

Ambry Genetics
Classification: Uncertain significance. Last evaluated: 2025-08-04. Review status: criteria provided, single submitter. Criteria: Ambry Variant Classification Scheme 2023. Collection method: clinical testing. Allele origin: germline.

NM_003873.7(NRP1):c.2135T>C (p.Val712Ala)

Gene: NRP1 (neuropilin 1; minus strand). Cytogenetic location: 10p11.22.
Variant type: single nucleotide variant.
Coding change: c.2135T>C on transcript NM_003873.7 (MANE Select); coding-DNA position 2135, T replaced by C.
Protein change: p.Val712Ala; replaces valine 712 with alanine.
Molecular consequence: missense variant. On other transcripts: non-coding transcript variant (1).
Genome position (GRCh38, 1-based): chr10:33,186,416, A>G on the plus strand (T>C on the coding strand, the complement: NRP1 is on the minus strand). VCF-style: chr10-33186416-A-G. GRCh37 (hg19) VCF-style: chr10-33475344-A-G.
Other names: c.2117T>C, p.Val706Ala (NM_001244972.2); c.2114T>C, p.Val705Ala (NM_001244973.2); c.2135T>C, p.Val712Ala (NM_001330068.2); short protein forms V706A, V712A, V705A.
Identifiers: ClinVar variation 4122849 (VCV004122849.2).